The following is an entry in ClinVar:

ClinVar aggregate classification (germline): Uncertain significance (1 of 4 stars; one submission).

gnomAD v4.1: 3 of 1,613,494 alleles (0.00019%); highest among the groups gnomAD compares: African/African-American, 0.004%; no homozygotes.

Submission:

Women's Health and Genetics/Laboratory Corporation of America, LabCorp
Classification: Uncertain significance. Last evaluated: 2026-06-26. Review status: criteria provided, single submitter. Criteria: LabCorp Variant Classification Summary - May 2015. Collection method: clinical testing. Allele origin: germline.
Comment: Variant summary: CFTR c.2908+4C>T alters a nucleotide located close to a canonical splice site and therefore could affect mRNA splicing, leading to a significantly altered protein sequence. Consensus agreement among computation tools predict no significant impact on normal splicing. However, these predictions have yet to be confirmed by functional studies. The variant was absent in 250930 control chromosomes. The available data on variant occurrences in the general population are insufficient to allow any conclusion about variant significance. To our knowledge, no occurrence of c.2908+4C>T in individuals affected with CFTR-related conditions and no experimental evidence demonstrating its impact on protein function have been reported. No submitters have cited clinical-significance assessments for this variant to ClinVar. Based on the evidence outlined above, the variant was classified as uncertain significance.

NM_000492.4(CFTR):c.2908+4C>T

Gene: CFTR (CF transmembrane conductance regulator; plus strand). Cytogenetic location: 7q31.2.
Variant type: single nucleotide variant.
Coding change: c.2908+4C>T on transcript NM_000492.4 (MANE Select); 4 bases into the intron after coding-DNA position 2908, C replaced by T.
Molecular consequence: intron variant.
Genome position (GRCh38, 1-based): chr7:117,603,786, C>T. VCF-style: chr7-117603786-C-T. GRCh37 (hg19) VCF-style: chr7-117243840-C-T.
Identifiers: ClinVar variation 4887648 (VCV004887648.1).
Genomic context (GRCh38, chr7:117,603,786, plus strand): 5'-AAATGTTACATTCTGTTCTTCAAGCACCTATGTCAACCCTCAACACGTTGAAAGCAGGTA[C>T]TTTACTAGGTCTAAGAAATGAAACTGCTGATCCACCATCAATAGGGCCTGTGGTTTTGTT-3'